The following is an entry in ClinVar:

NM_004991.4(MECOM):c.1382A>C (p.His461Pro)

Gene: MECOM (MDS1 and EVI1 complex locus; minus strand). Cytogenetic location: 3q26.2.
Variant type: single nucleotide variant.
Coding change: c.1382A>C on transcript NM_004991.4 (MANE Select); coding-DNA position 1382, A replaced by C.
Protein change: p.His461Pro; replaces histidine 461 with proline.
Molecular consequence: missense variant. On other transcripts: intron variant (2).
Genome position (GRCh38, 1-based): chr3:169,116,490, T>G on the plus strand (A>C on the coding strand, the complement: MECOM is on the minus strand). VCF-style: chr3-169116490-T-G. GRCh37 (hg19) VCF-style: chr3-168834278-T-G.
Other names: c.1013A>C, p.His338Pro (NM_001105077.4); c.818A>C, p.His273Pro (NM_001105078.4, NM_001164000.2, NM_001205194.2 and 4 more transcripts); c.821A>C, p.His274Pro (NM_001163999.2, NM_001366467.2, NM_001366468.2 and 1 more transcripts); c.1382A>C, p.His461Pro (NM_001366466.2); c.1133-723A>C (NM_001366473.2); c.569-723A>C (NM_001366474.2); short protein forms H273P, H274P, H338P, H461P.
Identifiers: ClinVar variation 4053165 (VCV004053165.1).

ClinVar aggregate classification (germline): Uncertain significance (1 of 4 stars; one submission).

Conditions:
Inborn genetic diseases. Identifiers: MedGen C0950123, MeSH D030342.

Submission:

Ambry Genetics
Classification: Uncertain significance for Inborn genetic diseases. Last evaluated: 2025-04-10. Review status: criteria provided, single submitter. Criteria: Ambry Variant Classification Scheme 2023. Collection method: clinical testing. Allele origin: germline.
Comment: The p.H461P variant (also known as c.1382A>C), located in coding exon 8 of the MECOM gene, results from an A to C substitution at nucleotide position 1382. The histidine at codon 461 is replaced by proline, an amino acid with similar properties. This amino acid position is conserved. In addition, the in silico prediction for this alteration is inconclusive. Based on the available evidence, the clinical significance of this variant remains unclear.